The following continues an entry in ClinVar:

NM_007294.4(BRCA1):c.5444G>A (p.Trp1815Ter)

Gene: BRCA1. ClinVar aggregate classification (germline): Pathogenic. Pathogenic (1).

Submissions 28 to 36 of 36:

Center of Medical Genetics and Primary Health Care
Classification: Pathogenic for Hereditary breast and ovarian cancer syndrome. Last evaluated: 2020-04-08. Review status: no assertion criteria provided. Collection method: research. Allele origin: germline. Affected: yes. Observed: 4 variant alleles, 4 heterozygotes. Not counted in ClinVar's aggregate classification.
Comment: ACMG Guidelines 2015 criteria BRCA1 (NM_007294.3: c.5444G>A; p.Trp1815Ter) - The BRCA1 variant p.Trp1815Ter is a known pathogenic nonsense variant in exon 23 and in the functional domain of BRCT2 (aa 1756-1855). BRCA1 contains at its C terminus two copies of a conserved domain that was named BRCT for BRCA1 C terminus. This domain of about 95 amino acids is found in a large variety of proteins involved in DNA repair, recombination and cell cycle control (Bork et al., 1997). This null (nonsense) variant is predicted to encode a truncated non-functional protein which is an established disease mechanism in hereditary breast and ovarian cancer (PVS1 Pathogenic Very Strong). This variant was observed in a mutation hotspot region of 21 pathogenic variants (source, ClinVar) (PM1 Pathogenic Moderate). The variant is not found in GnomAD exomes neither in GnomAD genomes (PM2 Pathogenic Moderate). The variant has been classified as pathogenic by the ClinGen-approved ENIGMA expert panel (ClinVar SCV000300259.2) (PP5 Pathogenic Supporting). 4 pathogenic predictions from DANN, EIGEN, FATHMM-MKL and MutationTaster versus no benign predictions support its deleterious effect (PP3 Pathogenic Supporting). In this study this variant was seen in 4 unrelated patients with a unilateral breast cancer and a strong family history of breast cancer. Therefore, this variant was classified as a Pathogenic.

German Consortium for Hereditary Breast and Ovarian Cancer, University Hospital Cologne
Classification: Pathogenic for Ovarian neoplasm. Last evaluated: 2018-12-01. Review status: no assertion criteria provided. Collection method: research. Allele origin: germline. Affected: yes. Not counted in ClinVar's aggregate classification.

Counsyl
Classification: Pathogenic for Breast-ovarian cancer, familial, susceptibility to, 1. Last evaluated: 2016-12-21. Review status: no assertion criteria provided. Collection method: clinical testing. Allele origin: unknown. Not counted in ClinVar's aggregate classification.

Research Molecular Genetics Laboratory, Women's College Hospital, University of Toronto
Classification: Pathogenic for Hereditary breast ovarian cancer syndrome. Last evaluated: 2014-01-31. Review status: no assertion criteria provided. Collection method: research. Allele origin: germline. Affected: yes. Study: The Canadian Open Genetics Repository (COGR). Not counted in ClinVar's aggregate classification.

Foulkes Cancer Genetics LDI, Lady Davis Institute for Medical Research
Classification: Pathogenic for Breast and/or ovarian cancer. Last evaluated: 2014-01-20. Review status: no assertion criteria provided. Collection method: clinical testing. Allele origin: germline. Study: The Canadian Open Genetics Repository (COGR). Not counted in ClinVar's aggregate classification.

Sharing Clinical Reports Project (SCRP)
Classification: Pathogenic for Breast-ovarian cancer, familial 1. Last evaluated: 2008-03-11. Review status: no assertion criteria provided. Collection method: clinical testing. Allele origin: germline. Not counted in ClinVar's aggregate classification.

Breast Cancer Information Core (BIC) (BRCA1)
Classification: Pathogenic for Breast-ovarian cancer, familial 1. Last evaluated: 2002-05-29. Review status: no assertion criteria provided. Collection method: clinical testing. Allele origin: germline. Affected: yes. Observed: 5 variant alleles. Not counted in ClinVar's aggregate classification.

Brotman Baty Institute, University of Washington
No classification provided (evidence only). Condition: Breast-ovarian cancer, familial 1. Review status: no classification provided. Collection method: in vitro. Allele origin: not applicable. Functional consequence: functionally_abnormal. Not counted in ClinVar's aggregate classification.
ClinVar note: "not provided" was previously submitted as the classification for the variant. However, the classification appeared to be based only on an observation of functional data so it was converted to no classification on 2025-07-30.

Department of Pathology and Laboratory Medicine, Sinai Health System
Classification: Pathogenic for Malignant tumor of breast. Review status: no assertion criteria provided. Collection method: clinical testing. Allele origin: unknown. Affected: yes. Study: The Canadian Open Genetics Repository (COGR). Not counted in ClinVar's aggregate classification.
Comment: The BRCA1 p.Trp1815X variant was identified in at least 7 of 115778 proband chromosomes (frequency: 0.0001) from individuals or families with breast or ovarian cancer (Borg 2010, Jalkh 2012, Judkins 2005, Kang 2002, Montagna 1996, Oktay 2010). The variant was also identified in dbSNP (ID: rs80356962) â€šÃ„ÃºWith untested alleleâ€šÃ„Ã¹, HGMD, UMD (2X as a causal variant), and the BIC database (4X with clinical importance). The p.Trp1815X variant leads to a premature stop codon at position 1815, which is predicted to lead to a truncated or absent protein and loss of function. Loss of function variants of the BRCA1 gene are an established mechanism of disease in hereditary breast and ovarian cancer and is the type of variant expected to cause the disorder. In summary, based on the above information, this variant meets our laboratoryâ€šÃ„Ã´s criteria to be classified as pathogenic.

Literature cited by the submitters: PubMed 8968102 (cited by 8 submitters); PubMed 20104584 (cited by 7 submitters); PubMed 26187060 (cited by 3 submitters); PubMed 7894493 (cited by Labcorp Genetics (formerly Invitae), Labcorp); PubMed 10811118 (cited by Labcorp Genetics (formerly Invitae), Labcorp); PubMed 11739404 (cited by Labcorp Genetics (formerly Invitae), Labcorp); PubMed 12400015 (cited by Labcorp Genetics (formerly Invitae), Labcorp); PubMed 21922593 (cited by Labcorp Genetics (formerly Invitae), Labcorp); PubMed 31368036 (cited by 4 submitters); PubMed 32658311 (cited by 4 submitters); PubMed 33558524 (cited by 5 submitters); PubMed 26681312 (cited by Quest Diagnostics Nichols Institute San Juan Capistrano and Counsyl); PubMed 29998185 (cited by 4 submitters); PubMed 29797126 (cited by Quest Diagnostics Nichols Institute San Juan Capistrano and Ambry Genetics); PubMed 27741520 (cited by Center for Genomic Medicine, Rigshospitalet, Copenhagen University Hospital and Ambry Genetics); PubMed 30209399 (cited by 4 submitters); PubMed 30186769 (cited by Dasa); PubMed 38201524 (cited by Dasa); PubMed 36604691 (cited by Dasa); PubMed 34657357 (cited by Dasa); PubMed 22713736 (cited by 4 submitters); PubMed 30713775 (cited by Dasa); PubMed 12204006 (cited by Ambry Genetics); PubMed 15365993 (cited by Ambry Genetics); PubMed 19996028 (cited by Ambry Genetics); PubMed 22798144 (cited by 4 submitters); PubMed 24131973 (cited by 3 submitters); PubMed 24884479 (cited by 3 submitters); PubMed 29961768 (cited by 3 submitters); PubMed 16267036 (cited by Women's Health and Genetics/Laboratory Corporation of America, LabCorp); PubMed 23469205 (cited by Clinical and Functional Genomics Group, A.C.Camargo Cancer Center); PubMed 25400221 (cited by Counsyl).